The following is an entry in ClinVar:

NM_144997.7(FLCN):c.453del (p.Phe152fs)

Gene: FLCN (folliculin; minus strand). Cytogenetic location: 17p11.2.
Variant type: Deletion.
Coding change: c.453del on transcript NM_144997.7 (MANE Select); coding-DNA position 453, one base deleted (G; older notation c.453delG).
Protein change: p.Phe152fs; shifts the reading frame from phenylalanine 152.
Molecular consequence: frameshift variant.
Genome position (GRCh38, 1-based): chr17:17,224,087, C deleted on the plus strand (G on the coding strand, the reverse complement: FLCN is on the minus strand). VCF-style (leftmost placement, unchanged base first): chr17-17224086-AC-A. GRCh37 (hg19) VCF-style: chr17-17127400-AC-A.
Other names: p.Phe152Serfs*25; c.507del, p.Phe170fs (NM_001353229.2); c.453del, p.Phe152fs (NM_001353230.2, NM_001353231.2, NM_144606.7); c.453del (LRG_325t1); short protein forms F152fs, F170fs.
Identifiers: ClinVar variation 253230 (VCV000253230.12), dbSNP rs879255660, ClinGen allele CA10586272.

ClinVar aggregate classification (germline): Pathogenic. Review status: criteria provided, multiple submitters, no conflicts (2 of 4 stars). 5 submissions from 5 submitters: Pathogenic (5). Last evaluated 2026-07-01.

Conditions:
Birt-Hogg-Dube syndrome 1 (BHD1). Also called: FIBROFOLLICULOMAS WITH TRICHODISCOMAS AND ACROCHORDONS. Identifiers: Orphanet 122, MedGen CN375946, MONDO:0800445, OMIM 135150.
Hereditary cancer-predisposing syndrome. Also called: Tumor predisposition; Neoplastic Syndromes, Hereditary; Hereditary Cancer Syndrome; Hereditary neoplastic syndrome. Identifiers: Orphanet 140162, MedGen C0027672, MeSH D009386, MONDO:0015356.
Birt-Hogg-Dube syndrome. Also called: Birt Hogg Dubé syndrome. Identifiers: Orphanet 122, MedGen C0346010, MONDO:0800444.

Submissions (5):

Ambry Genetics
Classification: Pathogenic for Hereditary cancer-predisposing syndrome. Last evaluated: 2026-07-01. Review status: criteria provided, single submitter. Criteria: Ambry Variant Classification Scheme 2023. Collection method: clinical testing. Allele origin: germline.
Comment: The c.453delG pathogenic mutation, located in coding exon 3 of the FLCN gene, results from a deletion of one nucleotide at nucleotide position 453, causing a translational frameshift with a predicted alternate stop codon (p.F152Sfs*25). This variant was reported in individual(s) with features consistent with Birt-Hogg-Dube syndrome (Kolb TM et al. Chest. 2013 Dec;144:1964-1968). This variant is considered to be rare based on population cohorts in the Genome Aggregation Database (gnomAD). This alteration is expected to result in loss of function by premature protein truncation or nonsense-mediated mRNA decay. As such, this alteration is interpreted as a disease-causing mutation.

Mayo Clinic Laboratories, Mayo Clinic
Classification: Pathogenic. Last evaluated: 2025-08-29. Review status: criteria provided, single submitter. Criteria: ACMG Guidelines, 2015. Collection method: clinical testing. Allele origin: germline. Observed: 3 variant alleles.
Comment: PP4, PM2_supporting, PVS1

Myriad Genetics, Inc.
Classification: Pathogenic for Birt-Hogg-Dube syndrome 1. Last evaluated: 2024-03-20. Review status: criteria provided, single submitter. Criteria: Myriad Autosomal Dominant, Autosomal Recessive and X-Linked Classification Criteria (2023). Collection method: clinical testing. Allele origin: unknown.
Comment: This variant is considered pathogenic. This variant creates a frameshift predicted to result in premature protein truncation.

Labcorp Genetics (formerly Invitae), Labcorp
Classification: Pathogenic for Birt-Hogg-Dube syndrome. Last evaluated: 2023-11-06. Review status: criteria provided, single submitter. Criteria: Invitae Variant Classification Sherloc (09022015). Collection method: clinical testing. Allele origin: germline.
Comment: This sequence change creates a premature translational stop signal (p.Phe152Serfs*25) in the FLCN gene. It is expected to result in an absent or disrupted protein product. Loss-of-function variants in FLCN are known to be pathogenic (PMID: 15852235). This variant is not present in population databases (gnomAD no frequency). This premature translational stop signal has been observed in individual(s) with clinical features of Birt-Hogg-Dube syndrome (PMID: 24297131). ClinVar contains an entry for this variant (Variation ID: 253230). Algorithms developed to predict the effect of sequence changes on RNA splicing suggest that this variant may disrupt the consensus splice site. For these reasons, this variant has been classified as Pathogenic.

Genomic Diagnostic Laboratory, Division of Genomic Diagnostics, Children's Hospital of Philadelphia
Classification: Pathogenic for Birt-Hogg-Dube Syndrome. Last evaluated: 2016-07-18. Review status: criteria provided, single submitter. Criteria: DGD Variant Analysis Guidelines. Collection method: clinical testing. Allele origin: germline. Affected: yes. Observed: 2 variant alleles.
Comment: Clinical Testing

Literature cited by the submitters: PubMed 24297131 (cited by 3 submitters); PubMed 15852235 (cited by Labcorp Genetics (formerly Invitae), Labcorp).